The following is an entry in ClinVar:

ClinVar aggregate classification (germline): Benign/Likely benign. Review status: criteria provided, multiple submitters, no conflicts (2 of 4 stars). 4 submissions from 4 submitters: Benign (1); Likely benign (3). Last evaluated 2025-11-17.

Conditions:
MYO15A-related disorder. Also called: MYO15A-related condition.

Allele frequency attached by ClinVar (database versions not stated): gnomAD 0.00067; TOPMed 0.00070; ESP Exome Variant Server 0.00072; 1000 Genomes Project 0.00100; 1000 Genomes Project 30x 0.00125.
gnomAD v4.1: 229 of 1,613,026 alleles (0.014%); highest among the groups gnomAD compares: African/African-American, 0.27%; 1 homozygote.

Submissions (4):

Labcorp Genetics (formerly Invitae), Labcorp
Classification: Benign. Last evaluated: 2025-11-17. Review status: criteria provided, single submitter. Criteria: Invitae Variant Classification Sherloc (09022015). Collection method: clinical testing. Allele origin: germline.

PreventionGenetics, part of Exact Sciences
Classification: Likely benign for MYO15A-related condition. Last evaluated: 2025-06-05. Review status: criteria provided, single submitter. Criteria: ACMG Guidelines, 2015. Collection method: clinical testing. Allele origin: germline.
Comment: This variant is classified as likely benign based on ACMG/AMP sequence variant interpretation guidelines (Richards et al. 2015 PMID: 25741868, with internal and published modifications).

Blueprint Genetics
Classification: Likely benign. Last evaluated: 2023-12-05. Review status: criteria provided, single submitter. Criteria: ACMG Guidelines, 2015. Collection method: clinical testing. Allele origin: germline.

GeneDx
Classification: Likely benign. Last evaluated: 2020-07-29. Review status: criteria provided, single submitter. Criteria: GeneDx Variant Classification Process June 2021. Collection method: clinical testing. Allele origin: germline. Affected: yes.

NM_016239.4(MYO15A):c.8224+8G>C

Gene: MYO15A (myosin XVA; plus strand). Cytogenetic location: 17p11.2.
Variant type: single nucleotide variant.
Coding change: c.8224+8G>C on transcript NM_016239.4 (MANE Select); 8 bases into the intron after coding-DNA position 8224, G replaced by C.
Molecular consequence: intron variant.
Genome position (GRCh38, 1-based): chr17:18,154,763, G>C. VCF-style: chr17-18154763-G-C. GRCh37 (hg19) VCF-style: chr17-18058077-G-C.
Identifiers: ClinVar variation 728979 (VCV000728979.12), dbSNP rs115647199, ClinGen allele CA8425085.